The following is an entry in ClinVar:

NM_001903.5(CTNNA1):c.1202T>G (p.Leu401Arg)

Gene: CTNNA1 (catenin alpha 1; plus strand). Cytogenetic location: 5q31.2.
Variant type: single nucleotide variant.
Coding change: c.1202T>G on transcript NM_001903.5 (MANE Select); coding-DNA position 1202, T replaced by G.
Protein change: p.Leu401Arg; replaces leucine 401 with arginine.
Molecular consequence: missense variant. On other transcripts: 5 prime UTR variant (5), intron variant (2).
Genome position (GRCh38, 1-based): chr5:138,887,548, T>G. VCF-style: chr5-138887548-T-G. GRCh37 (hg19) VCF-style: chr5-138223237-T-G.
Other names: c.1202T>G, p.Leu401Arg (NM_001290307.3, NM_001323982.2, NM_001323983.1 and 3 more transcripts); c.893T>G, p.Leu298Arg (NM_001290309.3); c.833T>G, p.Leu278Arg (NM_001290310.3); c.92T>G, p.Leu31Arg (NM_001290312.1, NM_001323987.1, NM_001323988.1 and 18 more transcripts); c.-306T>G (NM_001324006.1, NM_001324007.1, NM_001324008.1 and 1 more transcripts); c.-181T>G (NM_001324013.1); c.-58+11951T>G (NM_001324012.1); c.-61+11951T>G (NM_001324010.1); short protein forms L278R, L401R, L298R, L31R.
Identifiers: ClinVar variation 1747985 (VCV001747985.2), dbSNP rs2533013365, ClinGen allele CA361133062.

ClinVar aggregate classification (germline): Uncertain significance (1 of 4 stars; one submission).

Conditions:
Hereditary cancer-predisposing syndrome. Also called: Hereditary Cancer Syndrome; Hereditary neoplastic syndrome; Neoplastic Syndromes, Hereditary; Tumor predisposition. Identifiers: Orphanet 140162, MedGen C0027672, MeSH D009386, MONDO:0015356.

Submission:

Ambry Genetics
Classification: Uncertain significance for Hereditary cancer-predisposing syndrome. Last evaluated: 2022-02-18. Review status: criteria provided, single submitter. Criteria: Ambry Variant Classification Scheme 2023. Collection method: clinical testing. Allele origin: germline.
Comment: The p.L401R variant (also known as c.1202T>G), located in coding exon 8 of the CTNNA1 gene, results from a T to G substitution at nucleotide position 1202. The leucine at codon 401 is replaced by arginine, an amino acid with dissimilar properties. This amino acid position is conserved. In addition, this alteration is predicted to be deleterious by in silico analysis. Since supporting evidence is limited at this time, the clinical significance of this alteration remains unclear.